The following is an entry in ClinVar:

ClinVar aggregate classification (germline): Uncertain significance (1 of 4 stars; one submission).

Allele frequency attached by ClinVar (database versions not stated): ExAC 0.00001; gnomAD 0.00001; gnomAD exomes 0.00001; 1000 Genomes Project 30x 0.00021; 1000 Genomes Project 0.00026.

Submission:

GeneDx
Classification: Uncertain significance. Last evaluated: 2017-12-04. Review status: criteria provided, single submitter. Criteria: GeneDx Variant Classification (06012015). Collection method: clinical testing. Allele origin: germline. Affected: yes.
Comment: The S95L variant in the ATP6AP2 gene has not been reported previously as a pathogenic variant, nor as a benign variant, to our knowledge. The S95L variant was not observed in approximately 6,500 individuals of European and African American ancestry in the NHLBI Exome Sequencing Project, indicating it is not a common benign variant in these populations. The S95L variant is a non-conservative amino acid substitution, which is likely to impact secondary protein structure as these residues differ in polarity, charge, size and/or other properties. This substitution occurs at a position that is conserved across species. In silico analysis predicts this variant is probably damaging to the protein structure/function. We interpret S95L as a variant of uncertain significance.

NM_005765.3(ATP6AP2):c.284C>T (p.Ser95Leu)

Gene: ATP6AP2 (ATPase H+ transporting accessory protein 2; plus strand). Cytogenetic location: Xp11.4.
Variant type: single nucleotide variant.
Coding change: c.284C>T on transcript NM_005765.3 (MANE Select); coding-DNA position 284, C replaced by T.
Protein change: p.Ser95Leu; replaces serine 95 with leucine.
Molecular consequence: missense variant.
Genome position (GRCh38, 1-based): chrX:40,591,349, C>T. VCF-style: chrX-40591349-C-T. GRCh37 (hg19) VCF-style: chrX-40450601-C-T.
Other names: short protein forms S95L.
Identifiers: ClinVar variation 390186 (VCV000390186.2), dbSNP rs767631127, ClinGen allele CA10387183.